The following continues an entry in ClinVar:

NM_024057.4(NUP37):c.315A>G (p.Arg105=)

Gene: NUP37. ClinVar aggregate classification (germline): Benign.

Submissions 34 to 62 of 62:

Dr. Peter K. Rogan Lab, Western University
No classification provided (evidence only). Condition: Cervical cancer. Review status: no classification provided. Collection method: in vitro. Allele origin: not applicable. Functional consequence: retained intron. Not counted in ClinVar's aggregate classification.

Dr. Peter K. Rogan Lab, Western University
No classification provided (evidence only). Condition: Cervical cancer. Review status: no classification provided. Collection method: in vitro. Allele origin: not applicable. Functional consequence: retained intron. Not counted in ClinVar's aggregate classification.

Dr. Peter K. Rogan Lab, Western University
No classification provided (evidence only). Condition: Cervical cancer. Review status: no classification provided. Collection method: in vitro. Allele origin: not applicable. Functional consequence: retained intron. Not counted in ClinVar's aggregate classification.

Dr. Peter K. Rogan Lab, Western University
No classification provided (evidence only). Condition: Cervical cancer. Review status: no classification provided. Collection method: in vitro. Allele origin: not applicable. Functional consequence: retained intron. Not counted in ClinVar's aggregate classification.

Dr. Peter K. Rogan Lab, Western University
No classification provided (evidence only). Condition: Cervical cancer. Review status: no classification provided. Collection method: in vitro. Allele origin: not applicable. Functional consequence: retained intron. Not counted in ClinVar's aggregate classification.

Dr. Peter K. Rogan Lab, Western University
No classification provided (evidence only). Condition: Cervical cancer. Review status: no classification provided. Collection method: in vitro. Allele origin: not applicable. Functional consequence: retained intron. Not counted in ClinVar's aggregate classification.

Dr. Peter K. Rogan Lab, Western University
No classification provided (evidence only). Condition: Sarcoma. Review status: no classification provided. Collection method: in vitro. Allele origin: not applicable. Functional consequence: retained intron. Not counted in ClinVar's aggregate classification.

Dr. Peter K. Rogan Lab, Western University
No classification provided (evidence only). Condition: Sarcoma. Review status: no classification provided. Collection method: in vitro. Allele origin: not applicable. Functional consequence: retained intron. Not counted in ClinVar's aggregate classification.

Dr. Peter K. Rogan Lab, Western University
No classification provided (evidence only). Condition: Hepatocellular carcinoma. Review status: no classification provided. Collection method: in vitro. Allele origin: not applicable. Functional consequence: retained intron. Not counted in ClinVar's aggregate classification.

Dr. Peter K. Rogan Lab, Western University
No classification provided (evidence only). Condition: Nonpapillary renal cell carcinoma. Review status: no classification provided. Collection method: in vitro. Allele origin: not applicable. Functional consequence: retained intron. Not counted in ClinVar's aggregate classification.

Dr. Peter K. Rogan Lab, Western University
No classification provided (evidence only). Condition: Thymoma. Review status: no classification provided. Collection method: in vitro. Allele origin: not applicable. Functional consequence: retained intron. Not counted in ClinVar's aggregate classification.

Dr. Peter K. Rogan Lab, Western University
No classification provided (evidence only). Condition: Thymoma. Review status: no classification provided. Collection method: in vitro. Allele origin: not applicable. Functional consequence: retained intron. Not counted in ClinVar's aggregate classification.

Dr. Peter K. Rogan Lab, Western University
No classification provided (evidence only). Condition: Thymoma. Review status: no classification provided. Collection method: in vitro. Allele origin: not applicable. Functional consequence: retained intron. Not counted in ClinVar's aggregate classification.

Dr. Peter K. Rogan Lab, Western University
No classification provided (evidence only). Condition: Thymoma. Review status: no classification provided. Collection method: in vitro. Allele origin: not applicable. Functional consequence: retained intron. Not counted in ClinVar's aggregate classification.

Dr. Peter K. Rogan Lab, Western University
No classification provided (evidence only). Condition: Thymoma. Review status: no classification provided. Collection method: in vitro. Allele origin: not applicable. Functional consequence: retained intron. Not counted in ClinVar's aggregate classification.

Dr. Peter K. Rogan Lab, Western University
No classification provided (evidence only). Condition: Thymoma. Review status: no classification provided. Collection method: in vitro. Allele origin: not applicable. Functional consequence: retained intron. Not counted in ClinVar's aggregate classification.

Dr. Peter K. Rogan Lab, Western University
No classification provided (evidence only). Condition: Thymoma. Review status: no classification provided. Collection method: in vitro. Allele origin: not applicable. Functional consequence: retained intron. Not counted in ClinVar's aggregate classification.

Dr. Peter K. Rogan Lab, Western University
No classification provided (evidence only). Condition: Cholangiocarcinoma. Review status: no classification provided. Collection method: in vitro. Allele origin: not applicable. Functional consequence: retained intron. Not counted in ClinVar's aggregate classification.

Dr. Peter K. Rogan Lab, Western University
No classification provided (evidence only). Condition: Adrenocortical carcinoma, hereditary. Review status: no classification provided. Collection method: in vitro. Allele origin: not applicable. Functional consequence: retained intron. Not counted in ClinVar's aggregate classification.

Dr. Peter K. Rogan Lab, Western University
No classification provided (evidence only). Condition: Adrenocortical carcinoma, hereditary. Review status: no classification provided. Collection method: in vitro. Allele origin: not applicable. Functional consequence: retained intron. Not counted in ClinVar's aggregate classification.

Dr. Peter K. Rogan Lab, Western University
No classification provided (evidence only). Condition: Adrenocortical carcinoma, hereditary. Review status: no classification provided. Collection method: in vitro. Allele origin: not applicable. Functional consequence: retained intron. Not counted in ClinVar's aggregate classification.

Dr. Peter K. Rogan Lab, Western University
No classification provided (evidence only). Condition: Adrenocortical carcinoma, hereditary. Review status: no classification provided. Collection method: in vitro. Allele origin: not applicable. Functional consequence: retained intron. Not counted in ClinVar's aggregate classification.

Dr. Peter K. Rogan Lab, Western University
No classification provided (evidence only). Condition: Uterine carcinosarcoma. Review status: no classification provided. Collection method: in vitro. Allele origin: not applicable. Functional consequence: retained intron. Not counted in ClinVar's aggregate classification.

Dr. Peter K. Rogan Lab, Western University
No classification provided (evidence only). Condition: Uterine carcinosarcoma. Review status: no classification provided. Collection method: in vitro. Allele origin: not applicable. Functional consequence: retained intron. Not counted in ClinVar's aggregate classification.

Dr. Peter K. Rogan Lab, Western University
No classification provided (evidence only). Condition: Malignant tumor of esophagus. Review status: no classification provided. Collection method: in vitro. Allele origin: not applicable. Functional consequence: retained intron. Not counted in ClinVar's aggregate classification.

Dr. Peter K. Rogan Lab, Western University
No classification provided (evidence only). Condition: Malignant tumor of esophagus. Review status: no classification provided. Collection method: in vitro. Allele origin: not applicable. Functional consequence: retained intron. Not counted in ClinVar's aggregate classification.

Dr. Peter K. Rogan Lab, Western University
No classification provided (evidence only). Condition: Malignant tumor of esophagus. Review status: no classification provided. Collection method: in vitro. Allele origin: not applicable. Functional consequence: retained intron. Not counted in ClinVar's aggregate classification.

Dr. Peter K. Rogan Lab, Western University
No classification provided (evidence only). Condition: Malignant tumor of esophagus. Review status: no classification provided. Collection method: in vitro. Allele origin: not applicable. Functional consequence: retained intron. Not counted in ClinVar's aggregate classification.

Dr. Peter K. Rogan Lab, Western University
No classification provided (evidence only). Condition: Malignant tumor of esophagus. Review status: no classification provided. Collection method: in vitro. Allele origin: not applicable. Functional consequence: retained intron. Not counted in ClinVar's aggregate classification.